The following is an entry in ClinVar:

NM_002520.7(NPM1):c.863_864insCAGG (p.Trp288fs)

Gene: NPM1 (nucleophosmin 1; plus strand). Cytogenetic location: 5q35.1.
Variant type: Insertion.
Coding change: c.863_864insCAGG on transcript NM_002520.7 (MANE Select); coding-DNA positions 863 to 864, CAGG inserted.
Protein change: p.Trp288fs; shifts the reading frame from tryptophan 288.
Molecular consequence: frameshift variant. On other transcripts: non-coding transcript variant (1).
Genome position: GRCh38 VCF-style: chr5-171410542-T-TGCAG. GRCh37 (hg19) VCF-style: chr5-170837546-T-TGCAG.
Other names: EK; c.863_864insCAGG, p.Trp288fs (NM_001355006.2); c.671_672insCAGG, p.Trp224fs (NM_001355007.2); c.482_483insCAGG, p.Trp161fs (NM_001355010.2); c.776_777insCAGG, p.Trp259fs (NM_199185.4); short protein forms W161fs, W224fs, W259fs, W288fs.
Identifiers: ClinVar variation 4887960 (VCV004887960.1).
Genomic context (GRCh38, chr5:171,410,542, plus strand): 5'-AAGTGTTGTGGTTCCTTAACCACATTTCTTTTTTTTTTTTTCCAGGCTATTCAAGATCTC[T>TGCAG]GGCAGTGGAGGAAGTCTCTTTAAGAAAATAGTTTAAACAATTTGTTAAAAAATTTTCCGT-3'

ClinVar aggregate classification (somatic clinical impact): Tier I - Strong (1 of 4 stars; one submission).

Conditions:
Acute myeloid leukemia (AML). Also called: Acute myeloid leukemia, adult; AML adult; Acute non-lymphocytic leukemia; Acute granulocytic leukemia; Leukemia, acute myeloid, somatic; Leukemia, acute myelogenous, somatic. Identifiers: Orphanet 519, MedGen C0023467, MeSH D015470, MONDO:0018874, OMIM 601626, HP:0004808. Disease mechanism: Constitutively activated FLT3.

Submission:

Department of Genomics, Institute of Hematology and Blood Transfusion
Classification: Tier I - Strong for Acute myeloid leukemia. Assertion type: diagnostic. Clinical significance: supports diagnosis. Last evaluated: 2026-08-05. Review status: criteria provided, single submitter. Criteria: AMP/ASCO/CAP Guidelines, 2017. Collection method: clinical testing. Allele origin: somatic. Affected: yes.
Comment: This type of mutation has not yet been described. However, it is a 4-bp insertion in exon 12, which leads to a premature stop codon resulting in an aberrant NPM1 cytoplasmic localisation. Several studies have shown the impact of NPM1 mutations on AML development and according to the recent AML classification mutation of NPM1 gene is AML-defining. Additionaly, NPM1 mutation is related to better prognosis of the patients and one of the indication criteria for the administration of gemtuzumab ozogamycine.

Literature cited by the submitters: DOI 10.3390/ijms221810040; DOI 10.1002/ajh.27625.